The following is an entry in ClinVar:

NM_017763.6(RNF43):c.2102G>C (p.Cys701Ser)

Gene: RNF43 (ring finger protein 43; minus strand). Cytogenetic location: 17q22.
Variant type: single nucleotide variant.
Coding change: c.2102G>C on transcript NM_017763.6 (MANE Select); coding-DNA position 2102, G replaced by C.
Protein change: p.Cys701Ser; replaces cysteine 701 with serine.
Molecular consequence: missense variant.
Genome position (GRCh38, 1-based): chr17:58,357,674, C>G on the plus strand (G>C on the coding strand, the complement: RNF43 is on the minus strand). VCF-style: chr17-58357674-C-G. GRCh37 (hg19) VCF-style: chr17-56435035-C-G.
Other names: c.2102G>C, p.Cys701Ser (NM_001305544.3); c.1721G>C, p.Cys574Ser (NM_001305545.2); short protein forms C701S, C574S.
Identifiers: ClinVar variation 847171 (VCV000847171.12), dbSNP rs1972717987, ClinGen allele CA400386204.
Genomic context (GRCh38, chr17:58,357,674, plus strand): 5'-TTTGAGTAACAGGGGCCTGGGGTTTCTGGTAGCAGCCTCTTGTCCAGGCCTGGAGGTCCA[C>G]AGATCAAGGGGTGTGCCTCTGGGGACCAAGGATATGCCACACTGGGGGTGTAATGGGGAA-3'
Protein context (NP_060233.3, residues 691-711): PWSPEAHPLI[Cys701Ser]GPPGLDKRLL

ClinVar aggregate classification (germline): Uncertain significance. Review status: criteria provided, multiple submitters, no conflicts (2 of 4 stars). 3 submissions from 3 submitters: Uncertain significance (3). Last evaluated 2025-01-17.

gnomAD v4.1: 1 of 1,613,136 alleles (0.000062%); highest among the groups gnomAD compares: Non-Finnish European, 0.000085%; no homozygotes.

Submissions (3):

Ambry Genetics
Classification: Uncertain significance. Last evaluated: 2025-01-17. Review status: criteria provided, single submitter. Criteria: Ambry Variant Classification Scheme 2023. Collection method: clinical testing. Allele origin: germline.
Comment: The p.C701S variant (also known as c.2102G>C), located in coding exon 8 of the RNF43 gene, results from a G to C substitution at nucleotide position 2102. The cysteine at codon 701 is replaced by serine, an amino acid with dissimilar properties. This amino acid position is conserved. In addition, this alteration is predicted to be tolerated by in silico analysis. Based on the available evidence, the clinical significance of this variant remains unclear.

GeneDx
Classification: Uncertain significance. Last evaluated: 2024-03-14. Review status: criteria provided, single submitter. Criteria: GeneDx Variant Classification Process June 2021. Collection method: clinical testing. Allele origin: germline. Affected: yes.
Comment: Not observed at significant frequency in large population cohorts (gnomAD); In silico analysis supports that this missense variant does not alter protein structure/function; Has not been previously published as pathogenic or benign to our knowledge; Variants in candidate genes are classified as variants of uncertain significance in accordance with ACMG guidelines (PMID: 25741868)

Labcorp Genetics (formerly Invitae), Labcorp
Classification: Uncertain significance. Last evaluated: 2019-12-15. Review status: criteria provided, single submitter. Criteria: Invitae Variant Classification Sherloc (09022015). Collection method: clinical testing. Allele origin: germline.
Comment: This variant has not been reported in the literature in individuals with RNF43-related conditions. In summary, the available evidence is currently insufficient to determine the role of this variant in disease. Therefore, it has been classified as a Variant of Uncertain Significance. Algorithms developed to predict the effect of missense changes on protein structure and function (SIFT, PolyPhen-2, Align-GVGD) all suggest that this variant is likely to be tolerated, but these predictions have not been confirmed by published functional studies and their clinical significance is uncertain. This variant is not present in population databases (ExAC no frequency). This sequence change replaces cysteine with serine at codon 701 of the RNF43 protein (p.Cys701Ser). The cysteine residue is weakly conserved and there is a moderate physicochemical difference between cysteine and serine.